The following is an entry in ClinVar:

NM_001130009.3(GEN1):c.1867G>A (p.Asp623Asn)

Gene: GEN1 (GEN1 Holliday junction 5' flap endonuclease; plus strand). Cytogenetic location: 2p24.2.
Variant type: single nucleotide variant.
Coding change: c.1867G>A on transcript NM_001130009.3 (MANE Select); coding-DNA position 1867, G replaced by A.
Protein change: p.Asp623Asn; replaces aspartic acid 623 with asparagine.
Molecular consequence: missense variant.
Genome position (GRCh38, 1-based): chr2:17,781,079, G>A. VCF-style: chr2-17781079-G-A. GRCh37 (hg19) VCF-style: chr2-17962346-G-A.
Other names: c.1867G>A, p.Asp623Asn (NM_182625.5); short protein forms D623N.
Identifiers: ClinVar variation 3519738 (VCV003519738.1).

ClinVar aggregate classification (germline): Uncertain significance (1 of 4 stars; one submission).

gnomAD v4.1: 4 of 1,613,720 alleles (0.00025%); highest among the groups gnomAD compares: African/African-American, 0.0013%; no homozygotes.

Submission:

Ambry Genetics
Classification: Uncertain significance. Last evaluated: 2024-11-23. Review status: criteria provided, single submitter. Criteria: Ambry Variant Classification Scheme 2023. Collection method: clinical testing. Allele origin: germline.
Comment: The p.D623N variant (also known as c.1867G>A), located in coding exon 13 of the GEN1 gene, results from a G to A substitution at nucleotide position 1867. The aspartic acid at codon 623 is replaced by asparagine, an amino acid with highly similar properties. This amino acid position is conserved. In addition, this alteration is predicted to be tolerated by in silico analysis. Based on the available evidence, the clinical significance of this variant remains unclear.